The following is an entry in ClinVar:

NM_020631.6(PLEKHG5):c.415G>A (p.Gly139Arg)

Gene: PLEKHG5 (pleckstrin homology and RhoGEF domain containing G5; minus strand). Cytogenetic location: 1p36.31.
Variant type: single nucleotide variant.
Coding change: c.415G>A on transcript NM_020631.6 (MANE Select); coding-DNA position 415, G replaced by A.
Protein change: p.Gly139Arg; replaces glycine 139 with arginine.
Molecular consequence: missense variant.
Genome position (GRCh38, 1-based): chr1:6,474,475, C>T on the plus strand (G>A on the coding strand, the complement: PLEKHG5 is on the minus strand). VCF-style: chr1-6474475-C-T. GRCh37 (hg19) VCF-style: chr1-6534535-C-T.
Other names: c.526G>A, p.Gly176Arg (NM_001042663.3, NM_001265592.2); c.415G>A, p.Gly139Arg (NM_001042664.2, NM_001042665.2, NM_001265594.3 and 1 more transcripts); c.622G>A, p.Gly208Arg (NM_001265593.2); short protein forms G208R, G139R, G176R.
Identifiers: ClinVar variation 1521436 (VCV001521436.5), dbSNP rs769529781, ClinGen allele CA561868.
Genomic context (GRCh38, chr1:6,474,475, plus strand): 5'-TCCCAGCGGCCCCATTTGGCCCAGGCTGCTTCTCACCTTTGACACGAAGGTAGTGTCCCC[C>T]GAACCTGTAGGCCTCGAAGGTGAGGGACAGGGGTGTGTTGGACTGGTCCAGGTAGATGTC-3'
Protein context (NP_065682.2, residues 129-149): LSLTFEAYRF[Gly139Arg]GHYLRVKAPA

ClinVar aggregate classification (germline): Uncertain significance (1 of 4 stars; one submission).

Conditions:
Charcot-Marie-Tooth disease recessive intermediate C. Also called: CHARCOT-MARIE-TOOTH NEUROPATHY, RECESSIVE INTERMEDIATE C. Identifiers: Orphanet 369867, MedGen C3809309, MONDO:0014154, OMIM 615376.
Neuronopathy, distal hereditary motor, autosomal recessive 4. Also called: NEUROPATHY, DISTAL HEREDITARY MOTOR, AUTOSOMAL RECESSIVE 4; Autosomal recessive lower motor neuron disease with childhood onset. Identifiers: Orphanet 206580, MedGen C1970211, MONDO:0012608, OMIM 611067.

Allele frequency attached by ClinVar (database versions not stated): gnomAD exomes below 0.00001; ExAC 0.00001.

Submission:

Labcorp Genetics (formerly Invitae), Labcorp
Classification: Uncertain significance for Neuronopathy, distal hereditary motor, autosomal recessive 4; Charcot-Marie-Tooth disease recessive intermediate C. Last evaluated: 2021-09-01. Review status: criteria provided, single submitter. Criteria: Invitae Variant Classification Sherloc (09022015). Collection method: clinical testing. Allele origin: germline.
Comment: This sequence change replaces glycine with arginine at codon 139 of the PLEKHG5 protein (p.Gly139Arg). The glycine residue is moderately conserved and there is a moderate physicochemical difference between glycine and arginine. This variant is present in population databases (rs769529781, ExAC 0.002%). This variant has not been reported in the literature in individuals affected with PLEKHG5-related conditions. Algorithms developed to predict the effect of missense changes on protein structure and function are either unavailable or do not agree on the potential impact of this missense change (SIFT: "Deleterious"; PolyPhen-2: "Probably Damaging"; Align-GVGD: "Class C0"). In summary, the available evidence is currently insufficient to determine the role of this variant in disease. Therefore, it has been classified as a Variant of Uncertain Significance.